The following is an entry in ClinVar:

NC_000023.11:g.(?_31836718)_(31875373_?)del

Gene: DMD (dystrophin; minus strand). Cytogenetic location: Xp21.1.
Variant type: Deletion.
Identifiers: ClinVar variation 832588 (VCV000832588.1).

ClinVar aggregate classification (germline): Pathogenic (1 of 4 stars; one submission).

Conditions:
Duchenne muscular dystrophy (DMD). Also called: Duchenne Muscular Dystrophy (DMD); MUSCULAR DYSTROPHY, PSEUDOHYPERTROPHIC PROGRESSIVE, DUCHENNE TYPE. Identifiers: Orphanet 98896, MedGen C0013264, MONDO:0010679, OMIM 310200.

Submission:

Labcorp Genetics (formerly Invitae), Labcorp
Classification: Pathogenic for Duchenne muscular dystrophy. Last evaluated: 2019-09-26. Review status: criteria provided, single submitter. Criteria: Invitae Variant Classification Sherloc (09022015). Collection method: clinical testing. Allele origin: germline.
Comment: This variant is an in-frame deletion of the genomic region encompassing exons 48-49. It preserves the integrity of the reading frame. This variant has been reported in the hemizygous state in multiple individuals affected Becker muscular dystrophy (BMD) (PMID: 15841391, 2063877) and X-linked dilated cardiomyopathy (DCM) (PMID: 21851881). For these reasons, this variant has been classified as Pathogenic.

Literature cited by the submitters: PubMed 15841391; PubMed 2063877; PubMed 21851881.